The following is an entry in ClinVar:

ClinVar aggregate classification (germline): Uncertain significance (1 of 4 stars; one submission).

Submission:

GeneDx
Classification: Uncertain significance. Last evaluated: 2024-04-29. Review status: criteria provided, single submitter. Criteria: GeneDx Variant Classification Process June 2021. Collection method: clinical testing. Allele origin: germline. Affected: yes.
Comment: Not observed at significant frequency in large population cohorts (gnomAD); In silico analysis indicates that this missense variant does not alter protein structure/function; Has not been previously published as pathogenic or benign to our knowledge

NM_001009944.3(PKD1):c.2110G>T (p.Gly704Cys)

Gene: PKD1 (polycystin 1, transient receptor potential channel interacting; minus strand). Cytogenetic location: 16p13.3.
Variant type: single nucleotide variant.
Coding change: c.2110G>T on transcript NM_001009944.3 (MANE Select); coding-DNA position 2110, G replaced by T.
Protein change: p.Gly704Cys; replaces glycine 704 with cysteine.
Molecular consequence: missense variant.
Genome position (GRCh38, 1-based): chr16:2,114,913, C>A on the plus strand (G>T on the coding strand, the complement: PKD1 is on the minus strand). VCF-style: chr16-2114913-C-A. GRCh37 (hg19) VCF-style: chr16-2164914-C-A.
Other names: c.2110G>T, p.Gly704Cys (NM_000296.4); short protein forms G704C.
Identifiers: ClinVar variation 3372873 (VCV003372873.1).
Genomic context (GRCh38, chr16:2,114,913, plus strand): 5'-CAGGGCCAGCGTCGTGCTGCAAGCCAACGAGGTCACCAGGGAGCATGAGGACATCCTGGC[C>A]GTGGAGGGTGACCTGTGGAGAGGGAGGCAGGGCTGCATCACGTCCTCACGGTCATGGCCC-3'
Protein context (NP_001009944.3, residues 694-714): PPAQYSVTLH[Gly704Cys]QDVLMLPGDL